The following is an entry in ClinVar:

NM_014727.3(KMT2B):c.5285G>A (p.Arg1762His)

Gene: KMT2B (lysine methyltransferase 2B; plus strand). Cytogenetic location: 19q13.12.
Variant type: single nucleotide variant.
Coding change: c.5285G>A on transcript NM_014727.3 (MANE Select); coding-DNA position 5285, G replaced by A.
Protein change: p.Arg1762His; replaces arginine 1762 with histidine.
Molecular consequence: missense variant.
Genome position (GRCh38, 1-based): chr19:35,730,715, G>A. VCF-style: chr19-35730715-G-A. GRCh37 (hg19) VCF-style: chr19-36221616-G-A.
Other names: c.5285G>A (NM_014727.2); short protein forms R1762H.
Identifiers: ClinVar variation 2119298 (VCV002119298.5), dbSNP rs2146463308, ClinGen allele CA405420460.

ClinVar aggregate classification (germline): Uncertain significance. Review status: criteria provided, multiple submitters, no conflicts (2 of 4 stars). 2 submissions from 2 submitters: Uncertain significance (2). Last evaluated 2023-10-02.

Submissions (2):

GeneDx
Classification: Uncertain significance. Last evaluated: 2023-10-02. Review status: criteria provided, single submitter. Criteria: GeneDx Variant Classification Process June 2021. Collection method: clinical testing. Allele origin: germline. Affected: yes.
Comment: Identified in a patient with adult onset dystonia, but it is unknown whether this individual was tested for variants in other genes associated with dystonia (Shimazaki et al., 2022); In silico analysis supports that this missense variant has a deleterious effect on protein structure/function; Not observed at significant frequency in large population cohorts (gnomAD); This variant is associated with the following publications: (PMID: 35022352)

Labcorp Genetics (formerly Invitae), Labcorp
Classification: Uncertain significance. Last evaluated: 2022-08-20. Review status: criteria provided, single submitter. Criteria: Invitae Variant Classification Sherloc (09022015). Collection method: clinical testing. Allele origin: germline.
Comment: In summary, the available evidence is currently insufficient to determine the role of this variant in disease. Therefore, it has been classified as a Variant of Uncertain Significance. Algorithms developed to predict the effect of missense changes on protein structure and function output the following: SIFT: "Deleterious"; PolyPhen-2: "Not Available"; Align-GVGD: "Class C0". The histidine amino acid residue is found in multiple mammalian species, which suggests that this missense change does not adversely affect protein function. This variant has not been reported in the literature in individuals affected with KMT2B-related conditions. This variant is not present in population databases (gnomAD no frequency). This sequence change replaces arginine, which is basic and polar, with histidine, which is basic and polar, at codon 1762 of the KMT2B protein (p.Arg1762His).